The following is an entry in ClinVar:

NM_001363540.2(DOCK4):c.2227C>G (p.Arg743Gly)

Genes: DOCK4 (dedicator of cytokinesis 4; minus strand), LOC126860153 (BRD4-independent group 4 enhancer GRCh37_chr7:111507301-111508500; plus strand). Cytogenetic location: 7q31.1.
Variant type: single nucleotide variant.
Coding change: c.2227C>G on transcript NM_001363540.2 (MANE Select); coding-DNA position 2227, C replaced by G.
Protein change: p.Arg743Gly; replaces arginine 743 with glycine.
Molecular consequence: missense variant.
Genome position (GRCh38, 1-based): chr7:111,868,037, G>C on the plus strand (C>G on the coding strand, the complement: DOCK4 is on the minus strand). VCF-style: chr7-111868037-G-C. GRCh37 (hg19) VCF-style: chr7-111508093-G-C.
Other names: c.2227C>G, p.Arg743Gly (NM_014705.4); short protein forms R743G.
Identifiers: ClinVar variation 4719547 (VCV004719547.1).

ClinVar aggregate classification (germline): Uncertain significance (1 of 4 stars; one submission).

Submission:

Labcorp Genetics (formerly Invitae), Labcorp
Classification: Uncertain significance. Last evaluated: 2025-05-13. Review status: criteria provided, single submitter. Criteria: Invitae Variant Classification Sherloc (09022015). Collection method: clinical testing. Allele origin: germline.
Comment: This sequence change replaces arginine, which is basic and polar, with glycine, which is neutral and non-polar, at codon 743 of the DOCK4 protein (p.Arg743Gly). This variant is not present in population databases (gnomAD no frequency). This variant has not been reported in the literature in individuals affected with DOCK4-related conditions. An algorithm developed to predict the effect of missense changes on protein structure and function (PolyPhen-2) suggests that this variant is likely to be disruptive. In summary, the available evidence is currently insufficient to determine the role of this variant in disease. Therefore, it has been classified as a Variant of Uncertain Significance.